The following is an entry in ClinVar:

ClinVar aggregate classification (germline): Uncertain significance (1 of 4 stars; one submission).

Conditions:
Cardiovascular phenotype. Identifiers: MedGen CN230736.

Submission:

Ambry Genetics
Classification: Uncertain significance for Cardiovascular phenotype. Last evaluated: 2025-03-25. Review status: criteria provided, single submitter. Criteria: Ambry Variant Classification Scheme 2023. Collection method: clinical testing. Allele origin: germline.
Comment: The p.R10L variant (also known as c.29G>T), located in coding exon 1 of the DSP gene, results from a G to T substitution at nucleotide position 29. The arginine at codon 10 is replaced by leucine, an amino acid with dissimilar properties. This amino acid position is conserved. In addition, the in silico prediction for this alteration is inconclusive. Based on the available evidence, the clinical significance of this variant remains unclear.

NM_004415.4(DSP):c.29G>T (p.Arg10Leu)

Genes: DSP (desmoplakin; plus strand), DSP-AS1 (DSP antisense RNA 1; minus strand). Cytogenetic location: 6p24.3.
Variant type: single nucleotide variant.
Coding change: c.29G>T on transcript NM_004415.4 (MANE Select); coding-DNA position 29, G replaced by T.
Protein change: p.Arg10Leu; replaces arginine 10 with leucine.
Molecular consequence: missense variant.
Genome position (GRCh38, 1-based): chr6:7,541,944, G>T. VCF-style: chr6-7541944-G-T. GRCh37 (hg19) VCF-style: chr6-7542177-G-T.
Other names: c.29G>T, p.Arg10Leu (NM_001008844.3, NM_001319034.2, NM_001406591.1); short protein forms R10L.
Identifiers: ClinVar variation 3842708 (VCV003842708.2).
Genomic context (GRCh38, chr6:7,541,944, plus strand): 5'-GCGCTGAGCCGCTCTCCCGATTGCCCGCCGACATGAGCTGCAACGGAGGCTCCCACCCGC[G>T]GATCAACACTCTGGGCCGCATGATCCGCGCCGAGTCTGGCCCGGACCTGCGCTACGAGGT-3'
Protein context (NP_004406.2, residues 1-20): MSCNGGSHP[Arg10Leu]INTLGRMIRA